The following is an entry in ClinVar:

ClinVar aggregate classification (germline): Conflicting classifications of pathogenicity. Review status: criteria provided, conflicting classifications (1 of 4 stars). 2 submissions from 2 submitters: Uncertain significance (1); Benign (1). Last evaluated 2022-10-01.

Conditions:
Episodic ataxia type 5. Identifiers: Orphanet 211067, MedGen C1866039, MONDO:0013464, OMIM 613855.

Allele frequency attached by ClinVar (database versions not stated): 1000 Genomes Project 30x 0.00031; TOPMed 0.00119; gnomAD 0.00281 and 0.00298.

Submissions (2):

CeGaT Center for Human Genetics Tuebingen
Classification: Benign. Last evaluated: 2022-10-01. Review status: criteria provided, single submitter. Criteria: CeGaT Center For Human Genetics Tuebingen Variant Classification Criteria Version 2. Collection method: clinical testing. Allele origin: germline. Affected: yes. Observed: 2 variant alleles.
Comment: CACNB4: BS1, BS2

Illumina Laboratory Services, Illumina
Classification: Uncertain significance for Episodic ataxia type 5. Last evaluated: 2018-01-13. Review status: criteria provided, single submitter. Criteria: ICSL Variant Classification Criteria 13 December 2019. Collection method: clinical testing. Allele origin: germline.

NM_000726.5(CACNB4):c.*5022A>G

Gene: CACNB4 (calcium voltage-gated channel auxiliary subunit beta 4; minus strand). Cytogenetic location: 2q23.3.
Variant type: single nucleotide variant.
Coding change: c.*5022A>G on transcript NM_000726.5 (MANE Select); 5022 bases downstream of the stop codon, A replaced by G.
Molecular consequence: 3 prime UTR variant.
Genome position (GRCh38, 1-based): chr2:151,834,097, T>C on the plus strand (A>G on the coding strand, the complement: CACNB4 is on the minus strand). VCF-style: chr2-151834097-T-C. GRCh37 (hg19) VCF-style: chr2-152690611-T-C.
Other names: c.*5022A>G (NM_001005746.4, NM_001005747.4, NM_001145798.3 and 7 more transcripts).
Identifiers: ClinVar variation 331562 (VCV000331562.30), dbSNP rs548177540, ClinGen allele CA10612506.
Genomic context (GRCh38, chr2:151,834,097, plus strand): 5'-GATTTCAGTTAAAAGTCAAAGTGGCATGCAAGTAGGGCAAGGGTGGCCCCTACATAAATA[T>C]AGACATAGCCATTTGTTGAGAAATTTAAGTGTTCAAAACATAACCAAGAACACTTATCAG-3'